The following is an entry in ClinVar:

ClinVar aggregate classification (germline): Uncertain significance. Review status: criteria provided, multiple submitters, no conflicts (2 of 4 stars). 2 submissions from 2 submitters: Uncertain significance (2). Last evaluated 2020-03-25.

Submissions (2):

Labcorp Genetics (formerly Invitae), Labcorp
Classification: Uncertain significance. Last evaluated: 2020-03-25. Review status: criteria provided, single submitter. Criteria: Invitae Variant Classification Sherloc (09022015). Collection method: clinical testing. Allele origin: germline.
Comment: In summary, the available evidence is currently insufficient to determine the role of this variant in disease. Therefore, it has been classified as a Variant of Uncertain Significance. This variant has not been reported in the literature in individuals with TIMP3-related conditions. This variant is not present in population databases (ExAC no frequency). This sequence change results in a premature translational stop signal in the TIMP3 gene (p.Cys192*). While this is not anticipated to result in nonsense mediated decay, it is expected to disrupt the last 20 amino acids of the TIMP3 protein.

Blueprint Genetics
Classification: Uncertain significance. Last evaluated: 2019-05-20. Review status: criteria provided, single submitter. Criteria: ACMG Guidelines, 2015. Collection method: clinical testing. Allele origin: germline.

NM_000362.5(TIMP3):c.576C>A (p.Cys192Ter)

Genes: SYN3 (synapsin III; minus strand), TIMP3 (TIMP metallopeptidase inhibitor 3; plus strand). Cytogenetic location: 22q12.3.
Variant type: single nucleotide variant.
Coding change: c.576C>A on transcript NM_000362.5 (MANE Select); coding-DNA position 576, C replaced by A.
Protein change: p.Cys192Ter; replaces cysteine 192 with a stop codon.
Molecular consequence: nonsense. On other transcripts: intron variant (7).
Genome position (GRCh38, 1-based): chr22:32,859,317, C>A. VCF-style: chr22-32859317-C-A. GRCh37 (hg19) VCF-style: chr22-33255304-C-A.
Other names: c.708+5598G>T (NM_001369909.1, NM_001135774.2, NM_001369910.1); c.711+5598G>T (NM_001369907.1, NM_003490.4, NM_001369908.1 and 1 more transcripts); short protein forms C192*.
Identifiers: ClinVar variation 867159 (VCV000867159.9), dbSNP rs2048469719, ClinGen allele CA411540432.